The following is an entry in ClinVar:

NM_000257.4(MYH7):c.323G>C (p.Arg108Pro)

Gene: MYH7 (myosin heavy chain 7; minus strand). Cytogenetic location: 14q11.2.
Variant type: single nucleotide variant.
Coding change: c.323G>C on transcript NM_000257.4 (MANE Select); coding-DNA position 323, G replaced by C.
Protein change: p.Arg108Pro; replaces arginine 108 with proline.
Molecular consequence: missense variant.
Genome position (GRCh38, 1-based): chr14:23,433,106, C>G on the plus strand (G>C on the coding strand, the complement: MYH7 is on the minus strand). VCF-style: chr14-23433106-C-G. GRCh37 (hg19) VCF-style: chr14-23902315-C-G.
Other names: c.323G>C, p.Arg108Pro (NM_001407004.1); short protein forms R108P.
Identifiers: ClinVar variation 2832158 (VCV002832158.3), dbSNP rs730880832, ClinGen allele CA389053085.
Genomic context (GRCh38, chr14:23,433,106, plus strand): 5'-AACAGAGATCCCAACGTAGGGCCAGGTGCAGCACTCACGTAGATCATCCAGGAGCCGTAG[C>G]GATCCTTGAGGTTGTAGAGCACCGCGGGCTCATGCAGGAAGGTCAGCATGGCCATGTCCT-3'
Protein context (NP_000248.2, residues 98-118): EPAVLYNLKD[Arg108Pro]YGSWMIYTYS

ClinVar aggregate classification (germline): Uncertain significance (1 of 4 stars; one submission).

Conditions:
Hypertrophic cardiomyopathy. Also called: HYPERTROPHIC MYOCARDIOPATHY. Identifiers: Orphanet 217569, MedGen C0007194, MeSH D002312, MONDO:0005045, HP:0001639.

Submission:

Labcorp Genetics (formerly Invitae), Labcorp
Classification: Uncertain significance for Hypertrophic cardiomyopathy. Last evaluated: 2023-02-20. Review status: criteria provided, single submitter. Criteria: Invitae Variant Classification Sherloc (09022015). Collection method: clinical testing. Allele origin: germline.
Comment: Advanced modeling of protein sequence and biophysical properties (such as structural, functional, and spatial information, amino acid conservation, physicochemical variation, residue mobility, and thermodynamic stability) performed at Invitae indicates that this missense variant is expected to disrupt MYH7 protein function. This variant has not been reported in the literature in individuals affected with MYH7-related conditions. This variant is not present in population databases (gnomAD no frequency). This sequence change replaces arginine, which is basic and polar, with proline, which is neutral and non-polar, at codon 108 of the MYH7 protein (p.Arg108Pro). In summary, the available evidence is currently insufficient to determine the role of this variant in disease. Therefore, it has been classified as a Variant of Uncertain Significance.